The following is an entry in ClinVar:

NM_033305.3(VPS13A):c.4810C>T (p.Gln1604Ter)

Gene: VPS13A (vacuolar protein sorting 13 homolog A; plus strand). Cytogenetic location: 9q21.2.
Variant type: single nucleotide variant.
Coding change: c.4810C>T on transcript NM_033305.3 (MANE Select); coding-DNA position 4810, C replaced by T.
Protein change: p.Gln1604Ter; replaces glutamine 1604 with a stop codon.
Molecular consequence: nonsense.
Genome position (GRCh38, 1-based): chr9:77,316,353, C>T. VCF-style: chr9-77316353-C-T. GRCh37 (hg19) VCF-style: chr9-79931269-C-T.
Other names: c.4693C>T, p.Gln1565Ter (NM_001018037.2); c.4810C>T, p.Gln1604Ter (NM_001018038.3, NM_015186.4); short protein forms Q1604*, Q1565*.
Identifiers: ClinVar variation 5012083 (VCV005012083.1), dbSNP rs139786159.

ClinVar aggregate classification (germline): Pathogenic (1 of 4 stars; one submission).

Conditions:
VPS13A-related neurodegenerative disease. Also called: ACANTHOCYTOSIS WITH NEUROLOGIC DISORDER; LEVINE-CRITCHLEY SYNDROME; Choreoacanthocytosis; Chorea-acanthocytosis; VPS13A Disease; Choreaacanthocytosis. Identifiers: Orphanet 2388, MedGen C0393576, MONDO:0008695, OMIM 200150.

Submission:

Myriad Genetics, Inc.
Classification: Pathogenic for VPS13A-related neurodegenerative disease. Last evaluated: 2024-05-14. Review status: criteria provided, single submitter. Criteria: Myriad Autosomal Dominant, Autosomal Recessive and X-Linked Classification Criteria (2023). Collection method: clinical testing. Allele origin: unknown.
Comment: NM_033305.2(VPS13A):c.4810C>T(Q1604*) is expected to be pathogenic in the context of VPS13A disease. This variant is predicted to lead to an abnormal or absent protein product due to the creation of a premature termination codon in VPS13A, a gene where loss-of-function variants are known to be pathogenic. Please note: this variant was assessed in the context of healthy population screening.